The following is an entry in ClinVar:

ClinVar aggregate classification (germline): Uncertain significance. Review status: criteria provided, multiple submitters, no conflicts (2 of 4 stars). 3 submissions from 3 submitters: Uncertain significance (3). Last evaluated 2025-02-05.

Conditions:
Mitochondrial complex II deficiency, nuclear type 1. Also called: SUCCINATE CoQ REDUCTASE DEFICIENCY. Identifiers: Orphanet 3208, MedGen C5700310, MONDO:0100294, OMIM 252011.
Pheochromocytoma/paraganglioma syndrome 5. Also called: Paragangliomas 5; SDHA-Related Hereditary Paraganglioma-Pheochromocytoma Syndrome. Identifiers: Orphanet 29072, MedGen C3279992, MONDO:0013602, OMIM 614165.
Hereditary cancer-predisposing syndrome. Also called: Tumor predisposition; Hereditary Cancer Syndrome; Hereditary neoplastic syndrome; Neoplastic Syndromes, Hereditary. Identifiers: Orphanet 140162, MedGen C0027672, MeSH D009386, MONDO:0015356.
Dilated cardiomyopathy 1GG (CMD1GG). Identifiers: Orphanet 154, MedGen C3150898, MONDO:0013339, OMIM 613642.

Submissions (3):

Ambry Genetics
Classification: Uncertain significance for Hereditary cancer-predisposing syndrome. Last evaluated: 2025-02-05. Review status: criteria provided, single submitter. Criteria: Ambry Variant Classification Scheme 2023. Collection method: clinical testing. Allele origin: germline.
Comment: The p.F526L variant (also known as c.1578C>A), located in coding exon 12 of the SDHA gene, results from a C to A substitution at nucleotide position 1578. The phenylalanine at codon 526 is replaced by leucine, an amino acid with highly similar properties. This amino acid position is highly conserved in available vertebrate species. In addition, the in silico prediction for this alteration is inconclusive. Based on the available evidence, the clinical significance of this variant remains unclear.

Baylor Genetics
Classification: Uncertain significance for Dilated cardiomyopathy 1GG. Last evaluated: 2023-08-25. Review status: criteria provided, single submitter. Criteria: ACMG Guidelines, 2015. Collection method: clinical testing. Allele origin: unknown.

Labcorp Genetics (formerly Invitae), Labcorp
Classification: Uncertain significance for Pheochromocytoma/paraganglioma syndrome 5; Mitochondrial complex II deficiency, nuclear type 1. Last evaluated: 2021-05-03. Review status: criteria provided, single submitter. Criteria: Invitae Variant Classification Sherloc (09022015). Collection method: clinical testing. Allele origin: germline.
Comment: In summary, the available evidence is currently insufficient to determine the role of this variant in disease. Therefore, it has been classified as a Variant of Uncertain Significance. Algorithms developed to predict the effect of missense changes on protein structure and function are either unavailable or do not agree on the potential impact of this missense change (SIFT: "Deleterious"; PolyPhen-2: "Benign"; Align-GVGD: "Class C15"). This variant has not been reported in the literature in individuals with SDHA-related conditions. This variant is not present in population databases (ExAC no frequency). This sequence change replaces phenylalanine with leucine at codon 526 of the SDHA protein (p.Phe526Leu). The phenylalanine residue is highly conserved and there is a small physicochemical difference between phenylalanine and leucine.

NM_004168.4(SDHA):c.1578C>A (p.Phe526Leu)

Gene: SDHA (succinate dehydrogenase complex flavoprotein subunit A; plus strand). Cytogenetic location: 5p15.33.
Variant type: single nucleotide variant.
Coding change: c.1578C>A on transcript NM_004168.4 (MANE Select); coding-DNA position 1578, C replaced by A.
Protein change: p.Phe526Leu; replaces phenylalanine 526 with leucine.
Molecular consequence: missense variant. On other transcripts: intron variant (1).
Genome position (GRCh38, 1-based): chr5:251,018, C>A. VCF-style: chr5-251018-C-A. GRCh37 (hg19) VCF-style: chr5-251133-C-A.
Other names: c.1434C>A, p.Phe478Leu (NM_001294332.2); c.1552-3375C>A (NM_001330758.2); short protein forms F526L, F478L.
Identifiers: ClinVar variation 1351014 (VCV001351014.12), dbSNP rs2126632042, ClinGen allele CA358998463.